The following is an entry in ClinVar:

ClinVar aggregate classification (germline): Uncertain significance (1 of 4 stars; one submission).

Conditions:
Alagille syndrome due to a JAG1 point mutation. Also called: HEPATIC DUCTULAR HYPOPLASIA, SYNDROMATIC; JAG1-Related Alagille Syndrome; Alagille Syndrome 1. Identifiers: Orphanet 261619, Orphanet 52, MedGen C1956125, MONDO:0016862, OMIM 118450.

Allele frequency attached by ClinVar (database versions not stated): gnomAD exomes below 0.00001.
gnomAD v4.1: 2 of 1,613,256 alleles (0.00012%); highest among the groups gnomAD compares: Non-Finnish European, 0.00017%; no homozygotes.

Submission:

Labcorp Genetics (formerly Invitae), Labcorp
Classification: Uncertain significance for Alagille syndrome due to a JAG1 point mutation. Last evaluated: 2022-07-12. Review status: criteria provided, single submitter. Criteria: Invitae Variant Classification Sherloc (09022015). Collection method: clinical testing. Allele origin: germline.
Comment: This sequence change replaces serine, which is neutral and polar, with asparagine, which is neutral and polar, at codon 746 of the JAG1 protein (p.Ser746Asn). In summary, the available evidence is currently insufficient to determine the role of this variant in disease. Therefore, it has been classified as a Variant of Uncertain Significance. Advanced modeling of protein sequence and biophysical properties (such as structural, functional, and spatial information, amino acid conservation, physicochemical variation, residue mobility, and thermodynamic stability) performed at Invitae indicates that this missense variant is not expected to disrupt JAG1 protein function. ClinVar contains an entry for this variant (Variation ID: 1061848). This variant has not been reported in the literature in individuals affected with JAG1-related conditions. This variant is not present in population databases (gnomAD no frequency).

NM_000214.3(JAG1):c.2237G>A (p.Ser746Asn)

Gene: JAG1 (jagged canonical Notch ligand 1; minus strand). Cytogenetic location: 20p12.2.
Variant type: single nucleotide variant.
Coding change: c.2237G>A on transcript NM_000214.3 (MANE Select); coding-DNA position 2237, G replaced by A.
Protein change: p.Ser746Asn; replaces serine 746 with asparagine.
Molecular consequence: missense variant.
Genome position (GRCh38, 1-based): chr20:10,644,970, C>T on the plus strand (G>A on the coding strand, the complement: JAG1 is on the minus strand). VCF-style: chr20-10644970-C-T. GRCh37 (hg19) VCF-style: chr20-10625618-C-T.
Other names: short protein forms S746N.
Identifiers: ClinVar variation 1061848 (VCV001061848.9), dbSNP rs2122602515, ClinGen allele CA408235066.